The following is an entry in ClinVar:

ClinVar aggregate classification (germline): Pathogenic/Likely pathogenic. Review status: criteria provided, multiple submitters, no conflicts (2 of 4 stars). 3 submissions from 3 submitters: Pathogenic (1); Likely pathogenic (2). Last evaluated 2023-08-25.

Conditions:
Hereditary cancer-predisposing syndrome. Also called: Neoplastic Syndromes, Hereditary; Tumor predisposition; Hereditary neoplastic syndrome; Hereditary Cancer Syndrome. Identifiers: Orphanet 140162, MedGen C0027672, MeSH D009386, MONDO:0015356.
Lynch syndrome 5 (LYNCH5). Also called: Colorectal cancer, hereditary nonpolyposis, type 5; Hereditary non-polyposis colorectal cancer, type 5. Identifiers: Orphanet 144, MedGen C1833477, MONDO:0013710, OMIM 614350. Disease mechanism: loss of function.
Hereditary nonpolyposis colorectal neoplasms. Identifiers: MedGen C0009405, MeSH D003123.

Submissions (3):

Myriad Genetics, Inc.
Classification: Likely pathogenic for Lynch syndrome 5. Last evaluated: 2023-08-25. Review status: criteria provided, single submitter. Criteria: Myriad Autosomal Dominant, Autosomal Recessive and X-Linked Classification Criteria (2023). Collection method: clinical testing. Allele origin: unknown.
Comment: This variant is considered likely pathogenic. This variant occurs within a consensus splice junction and is predicted to result in abnormal mRNA splicing of either an out-of-frame exon or an in-frame exon necessary for protein stability and/or normal function.

Labcorp Genetics (formerly Invitae), Labcorp
Classification: Likely pathogenic for Hereditary nonpolyposis colorectal neoplasms. Last evaluated: 2022-05-27. Review status: criteria provided, single submitter. Criteria: Invitae Variant Classification Sherloc (09022015). Collection method: clinical testing. Allele origin: germline.
Comment: This sequence change affects an acceptor splice site in intron 8 of the MSH6 gene. It is expected to disrupt RNA splicing. Variants that disrupt the donor or acceptor splice site typically lead to a loss of protein function (PMID: 16199547), and loss-of-function variants in MSH6 are known to be pathogenic (PMID: 18269114, 24362816). This variant is not present in population databases (gnomAD no frequency). In summary, the currently available evidence indicates that the variant is pathogenic, but additional data are needed to prove that conclusively. Therefore, this variant has been classified as Likely Pathogenic. Algorithms developed to predict the effect of sequence changes on RNA splicing suggest that this variant may disrupt the consensus splice site. ClinVar contains an entry for this variant (Variation ID: 824238). This variant has not been reported in the literature in individuals affected with MSH6-related conditions.

Ambry Genetics
Classification: Pathogenic for Hereditary cancer-predisposing syndrome. Last evaluated: 2021-06-16. Review status: criteria provided, single submitter. Criteria: Ambry Variant Classification Scheme 2023. Collection method: clinical testing. Allele origin: germline.
Comment: The c.3802-1G>C intronic pathogenic mutation results from a G to C substitution one nucleotide upstream from coding exon 9 of the MSH6 gene. This alteration occurs at the 3' terminus of the MSH6 gene, is not expected to trigger nonsense-mediated mRNA decay, and only impacts the last 93 amino acids of the protein. The exact functional effect of this alteration is unknown; however, the impacted region is critical for protein function (Ambry internal data). In silico splice site analysis predicts that this alteration will weaken the native splice acceptor site and will result in the creation or strengthening of a novel splice acceptor site. RNA studies have demonstrated that this alteration results in abnormal splicing in the set of samples tested (Ambry internal data). As such, this alteration is classified as a disease-causing mutation.

Literature cited by the submitters: PubMed 16199547 (cited by Labcorp Genetics (formerly Invitae), Labcorp); PubMed 18269114 (cited by Labcorp Genetics (formerly Invitae), Labcorp); PubMed 24362816 (cited by Labcorp Genetics (formerly Invitae), Labcorp).

NM_000179.3(MSH6):c.3802-1G>C

Gene: MSH6 (mutS homolog 6; plus strand). Cytogenetic location: 2p16.3.
Variant type: single nucleotide variant.
Coding change: c.3802-1G>C on transcript NM_000179.3 (MANE Select); the canonical splice acceptor site of the intron before coding-DNA position 3802, G replaced by C.
Molecular consequence: splice acceptor variant. On other transcripts: intron variant (2).
Genome position (GRCh38, 1-based): chr2:47,806,451, G>C. VCF-style: chr2-47806451-G-C. GRCh37 (hg19) VCF-style: chr2-48033590-G-C.
Other names: c.3802-1G>C (NM_001406809.1, NM_001406796.1, NM_001406808.1); c.2896-1G>C (NM_001406811.1, NM_001406814.1, NM_001281493.2 and 6 more transcripts); c.3505-1G>C (NM_001406805.1, NM_001406797.1, NM_001406801.1 and 10 more transcripts); c.3898-1G>C (NM_001406795.1); c.3897+93G>C (NM_001406802.1); c.3808-1G>C (NM_001406813.1); c.3277-1G>C (NM_001406807.1, NM_001406799.1, NM_001406806.1); c.3802-14G>C (NM_001406800.1); and 9 more.
Identifiers: ClinVar variation 824238 (VCV000824238.10), dbSNP rs1572746025, ClinGen allele CA346761210.